The following is an entry in ClinVar:

ClinVar aggregate classification (germline): Conflicting classifications of pathogenicity. Review status: criteria provided, conflicting classifications (1 of 4 stars). 2 submissions from 2 submitters: Uncertain significance (1); Likely benign (1). Last evaluated 2025-04-30.

Conditions:
Inborn genetic diseases. Identifiers: MedGen C0950123, MeSH D030342.

Allele frequency attached by ClinVar (database versions not stated): gnomAD 0.00001; TOPMed 0.00001.
gnomAD v4.1: 37 of 1,614,014 alleles (0.0023%); highest among the groups gnomAD compares: African/African-American, 0.0067%; no homozygotes.

Submissions (2):

Labcorp Genetics (formerly Invitae), Labcorp
Classification: Uncertain significance. Last evaluated: 2025-04-30. Review status: criteria provided, single submitter. Criteria: Invitae Variant Classification Sherloc (09022015). Collection method: clinical testing. Allele origin: germline.
Comment: This sequence change replaces arginine, which is basic and polar, with glutamine, which is neutral and polar, at codon 392 of the PPOX protein (p.Arg392Gln). This variant is present in population databases (no rsID available, gnomAD 0.005%). This variant has not been reported in the literature in individuals affected with PPOX-related conditions. ClinVar contains an entry for this variant (Variation ID: 1935166). Invitae Evidence Modeling of protein sequence and biophysical properties (such as structural, functional, and spatial information, amino acid conservation, physicochemical variation, residue mobility, and thermodynamic stability) indicates that this missense variant is not expected to disrupt PPOX protein function with a negative predictive value of 95%. In summary, the available evidence is currently insufficient to determine the role of this variant in disease. Therefore, it has been classified as a Variant of Uncertain Significance.

Ambry Genetics
Classification: Likely benign for Inborn genetic diseases. Last evaluated: 2023-04-24. Review status: criteria provided, single submitter. Criteria: Ambry Variant Classification Scheme 2023. Collection method: clinical testing. Allele origin: germline.

NM_001122764.3(PPOX):c.1175G>A (p.Arg392Gln)

Gene: PPOX (protoporphyrinogen oxidase; plus strand). Cytogenetic location: 1q23.3.
Variant type: single nucleotide variant.
Coding change: c.1175G>A on transcript NM_001122764.3 (MANE Select); coding-DNA position 1175, G replaced by A.
Protein change: p.Arg392Gln; replaces arginine 392 with glutamine.
Molecular consequence: missense variant.
Genome position (GRCh38, 1-based): chr1:161,170,696, G>A. VCF-style: chr1-161170696-G-A. GRCh37 (hg19) VCF-style: chr1-161140486-G-A.
Other names: c.1175G>A, p.Arg392Gln (NM_000309.5, NM_001365398.1); c.1076G>A, p.Arg359Gln (NM_001350128.2); c.767G>A, p.Arg256Gln (NM_001350129.2, NM_001365400.1); c.689G>A, p.Arg230Gln (NM_001350130.2, NM_001350131.2, NM_001365401.1); c.1064G>A, p.Arg355Gln (NM_001365399.1); c.1175G>A (NM_000309.3); short protein forms R359Q, R355Q, R256Q, R230Q, R392Q.
Identifiers: ClinVar variation 1935166 (VCV001935166.7), dbSNP rs1001703993, ClinGen allele CA343358083.